The following is an entry in ClinVar:

NM_002635.4(SLC25A3):c.347G>A (p.Arg116His)

Gene: SLC25A3 (solute carrier family 25 member 3; plus strand). Cytogenetic location: 12q23.1.
Variant type: single nucleotide variant.
Coding change: c.347G>A on transcript NM_002635.4 (MANE Select); coding-DNA position 347, G replaced by A.
Protein change: p.Arg116His; replaces arginine 116 with histidine.
Molecular consequence: missense variant.
Genome position (GRCh38, 1-based): chr12:98,597,923, G>A. VCF-style: chr12-98597923-G-A. GRCh37 (hg19) VCF-style: chr12-98991701-G-A.
Other names: c.350G>A, p.Arg117His (NM_005888.4); c.347G>A, p.Arg116His (NM_213611.3); short protein forms R116H, R117H.
Identifiers: ClinVar variation 2056488 (VCV002056488.3), dbSNP rs774932712, ClinGen allele CA6732950.
Genomic context (GRCh38, chr12:98,597,923, plus strand): 5'-CCCAAAAGTACAAGGGCATATTTAACGGATTCTCAGTTACACTTAAAGAGGATGGTGTTC[G>A]TGGTTTGGCTAAAGGATGGGCTCCGACTTTCCTTGGCTACTCCATGCAGGGACTCTGCAA-3'
Protein context (NP_002626.1, residues 106-126): FSVTLKEDGV[Arg116His]GLAKGWAPTF

ClinVar aggregate classification (germline): Uncertain significance (1 of 4 stars; one submission).

Allele frequency attached by ClinVar (database versions not stated): TOPMed 0.00001; gnomAD 0.00002; ExAC 0.00005.

Submission:

Labcorp Genetics (formerly Invitae), Labcorp
Classification: Uncertain significance. Last evaluated: 2022-11-01. Review status: criteria provided, single submitter. Criteria: Invitae Variant Classification Sherloc (09022015). Collection method: clinical testing. Allele origin: germline.
Comment: In summary, the available evidence is currently insufficient to determine the role of this variant in disease. Therefore, it has been classified as a Variant of Uncertain Significance. Algorithms developed to predict the effect of missense changes on protein structure and function (SIFT, PolyPhen-2, Align-GVGD) all suggest that this variant is likely to be tolerated. This variant has not been reported in the literature in individuals affected with SLC25A3-related conditions. This variant is present in population databases (rs774932712, gnomAD 0.04%). This sequence change replaces arginine, which is basic and polar, with histidine, which is basic and polar, at codon 117 of the SLC25A3 protein (p.Arg117His).